The following is an entry in ClinVar:

ClinVar aggregate classification (germline): Uncertain significance (1 of 4 stars; one submission).

Conditions:
Charcot-Marie-Tooth disease type 2. Also called: Charcot-Marie-Tooth type 2. Identifiers: Orphanet 64746, MedGen C0270914, MONDO:0018993.

Allele frequency attached by ClinVar (database versions not stated): TOPMed below 0.00001; gnomAD 0.00001.
gnomAD v4.1: 5 of 1,612,084 alleles (0.00031%); highest among the groups gnomAD compares: Admixed American, 0.0017%; no homozygotes.

Submission:

Labcorp Genetics (formerly Invitae), Labcorp
Classification: Uncertain significance for Charcot-Marie-Tooth disease type 2. Last evaluated: 2019-06-18. Review status: criteria provided, single submitter. Criteria: Invitae Variant Classification Sherloc (09022015). Collection method: clinical testing. Allele origin: germline.
Comment: In summary, the available evidence is currently insufficient to determine the role of this variant in disease. Therefore, it has been classified as a Variant of Uncertain Significance. Algorithms developed to predict the effect of missense changes on protein structure and function are either unavailable or do not agree on the potential impact of this missense change (SIFT: "Tolerated"; PolyPhen-2: "Probably Damaging"; Align-GVGD: "Class C0"). This variant has not been reported in the literature in individuals with MED25-related conditions. This variant is not present in population databases (ExAC no frequency). This sequence change replaces alanine with threonine at codon 675 of the MED25 protein (p.Ala675Thr). The alanine residue is moderately conserved and there is a small physicochemical difference between alanine and threonine.

NM_030973.4(MED25):c.2023G>A (p.Ala675Thr)

Gene: MED25 (mediator complex subunit 25; plus strand). Cytogenetic location: 19q13.33.
Variant type: single nucleotide variant.
Coding change: c.2023G>A on transcript NM_030973.4 (MANE Select); coding-DNA position 2023, G replaced by A.
Protein change: p.Ala675Thr; replaces alanine 675 with threonine.
Molecular consequence: missense variant.
Genome position (GRCh38, 1-based): chr19:49,836,283, G>A. VCF-style: chr19-49836283-G-A. GRCh37 (hg19) VCF-style: chr19-50339540-G-A.
Other names: c.2023G>A, p.Ala675Thr (NM_001378355.1); short protein forms A675T.
Identifiers: ClinVar variation 952565 (VCV000952565.9), dbSNP rs1448159136, ClinGen allele CA406921430.